The following is an entry in ClinVar:

NM_002691.4(POLD1):c.1369A>T (p.Met457Leu)

Gene: POLD1 (DNA polymerase delta 1, catalytic subunit; plus strand). Cytogenetic location: 19q13.33.
Variant type: single nucleotide variant.
Coding change: c.1369A>T on transcript NM_002691.4 (MANE Select); coding-DNA position 1369, A replaced by T.
Protein change: p.Met457Leu; replaces methionine 457 with leucine.
Molecular consequence: missense variant. On other transcripts: non-coding transcript variant (1).
Genome position (GRCh38, 1-based): chr19:50,406,308, A>T. VCF-style: chr19-50406308-A-T. GRCh37 (hg19) VCF-style: chr19-50909565-A-T.
Other names: c.1369A>T, p.Met457Leu (NM_001256849.1, NM_001308632.1); short protein forms M457L.
Identifiers: ClinVar variation 1770988 (VCV001770988.5), dbSNP rs766158800, ClinGen allele CA406979964.

ClinVar aggregate classification (germline): Conflicting classifications of pathogenicity. Review status: criteria provided, conflicting classifications (1 of 4 stars). 2 submissions from 2 submitters: Uncertain significance (1); Likely benign (1). Last evaluated 2025-03-19.

Conditions:
POLD1-related polyposis and colorectal cancer syndrome (CRCS10). Also called: COLORECTAL CANCER, SUSCEPTIBILITY TO, ON CHROMOSOME 19q; Colorectal cancer 10; Colorectal cancer, susceptibility to, 10. Identifiers: Orphanet 220460, MedGen C2675481, MONDO:0012953, OMIM 612591.
Hereditary cancer-predisposing syndrome. Also called: Neoplastic Syndromes, Hereditary; Tumor predisposition; Hereditary neoplastic syndrome; Hereditary Cancer Syndrome. Identifiers: Orphanet 140162, MedGen C0027672, MeSH D009386, MONDO:0015356.

Submissions (2):

Ambry Genetics
Classification: Likely benign for Hereditary cancer-predisposing syndrome. Last evaluated: 2025-03-19. Review status: criteria provided, single submitter. Criteria: Ambry Variant Classification Scheme 2023. Collection method: clinical testing. Allele origin: germline.

Labcorp Genetics (formerly Invitae), Labcorp
Classification: Uncertain significance for POLD1-related polyposis and colorectal cancer syndrome. Last evaluated: 2024-07-24. Review status: criteria provided, single submitter. Criteria: Invitae Variant Classification Sherloc (09022015). Collection method: clinical testing. Allele origin: germline.
Comment: This sequence change replaces methionine, which is neutral and non-polar, with leucine, which is neutral and non-polar, at codon 457 of the POLD1 protein (p.Met457Leu). This variant is not present in population databases (gnomAD no frequency). This variant has not been reported in the literature in individuals affected with POLD1-related conditions. ClinVar contains an entry for this variant (Variation ID: 1770988). Advanced modeling of protein sequence and biophysical properties (such as structural, functional, and spatial information, amino acid conservation, physicochemical variation, residue mobility, and thermodynamic stability) performed at Invitae indicates that this missense variant is not expected to disrupt POLD1 protein function with a negative predictive value of 80%. In summary, the available evidence is currently insufficient to determine the role of this variant in disease. Therefore, it has been classified as a Variant of Uncertain Significance.